The following is an entry in ClinVar:

ClinVar aggregate classification (germline): not provided (0 of 4 stars; one submission).

gnomAD v4.1: 1 of 1,613,696 alleles (0.000062%); highest among the groups gnomAD compares: Non-Finnish European, 0.000085%; no homozygotes.

Submission:

James Howe Lab, University of Iowa Hospital and Clinics
No classification provided. Review status: no classification provided. Collection method: not provided. Allele origin: unknown.
Comment: Analysis of CDKN1B mutations in 86 patients with small bowel neuroendocrine tumors and 68 patients with pancreas neuroendocrine tumors.

NM_181334.6(PRR5-ARHGAP8):c.166C>A (p.Arg56Ser)

Genes: PRR5-ARHGAP8 (PRR5-ARHGAP8 readthrough; plus strand), PRR5 (proline rich 5; plus strand). Cytogenetic location: 22q13.31.
Variant type: single nucleotide variant.
Coding change: c.166C>A on transcript NM_181334.6; coding-DNA position 166, C replaced by A.
Protein change: p.Arg56Ser; replaces arginine 56 with serine.
Molecular consequence: missense variant. On other transcripts: 5 prime UTR variant (2).
Genome position (GRCh38, 1-based): chr22:44,714,622, C>A. VCF-style: chr22-44714622-C-A. GRCh37 (hg19) VCF-style: chr22-45110502-C-A.
Other names: c.-120C>A (NM_001017529.3, NM_001017530.2); c.235C>A, p.Arg79Ser (NM_001198721.2); c.139C>A, p.Arg47Ser (NM_015366.4, NM_001017528.3); c.166C>A, p.Arg56Ser (NM_181333.4); short protein forms R47S, R56S, R79S.
Identifiers: ClinVar variation 156717 (VCV000156717.1), dbSNP rs587777903, ClinGen allele CA248424.